The following is an entry in ClinVar:

ClinVar aggregate classification (germline): Uncertain significance. Review status: criteria provided, multiple submitters, no conflicts (2 of 4 stars). 2 submissions from 2 submitters: Uncertain significance (2). Last evaluated 2022-08-16.

Conditions:
Joubert syndrome 23 (JBTS23). Identifiers: Orphanet 475, MedGen C4084822, MONDO:0014664, OMIM 616490.
Short-rib thoracic dysplasia 14 with polydactyly (SRTD14). Identifiers: Orphanet 397715, MedGen C4225286, MONDO:0014688, OMIM 616546.
Inborn genetic diseases. Identifiers: MedGen C0950123, MeSH D030342.

Allele frequency attached by ClinVar (database versions not stated): gnomAD exomes 0.00001; TOPMed 0.00001.
gnomAD v4.1: 3 of 1,613,260 alleles (0.00019%); highest among the groups gnomAD compares: Admixed American, 0.005%; no homozygotes.

Submissions (2):

Labcorp Genetics (formerly Invitae), Labcorp
Classification: Uncertain significance for Joubert syndrome 23; Short-rib thoracic dysplasia 14 with polydactyly. Last evaluated: 2022-08-16. Review status: criteria provided, single submitter. Criteria: Invitae Variant Classification Sherloc (09022015). Collection method: clinical testing. Allele origin: germline.
Comment: In summary, the available evidence is currently insufficient to determine the role of this variant in disease. Therefore, it has been classified as a Variant of Uncertain Significance. Algorithms developed to predict the effect of missense changes on protein structure and function are either unavailable or do not agree on the potential impact of this missense change (SIFT: "Deleterious"; PolyPhen-2: "Probably Damaging"; Align-GVGD: "Class C0"). ClinVar contains an entry for this variant (Variation ID: 1362751). This variant has not been reported in the literature in individuals affected with KIAA0586-related conditions. This variant is present in population databases (no rsID available, gnomAD 0.006%). This sequence change replaces lysine, which is basic and polar, with asparagine, which is neutral and polar, at codon 859 of the KIAA0586 protein (p.Lys859Asn).

Ambry Genetics
Classification: Uncertain significance for Inborn genetic diseases. Last evaluated: 2021-05-24. Review status: criteria provided, single submitter. Criteria: Ambry Variant Classification Scheme 2023. Collection method: clinical testing. Allele origin: germline.

NM_001329943.3(KIAA0586):c.2418G>C (p.Lys806Asn)

Gene: KIAA0586 (KIAA0586; plus strand). Cytogenetic location: 14q23.1.
Variant type: single nucleotide variant.
Coding change: c.2418G>C on transcript NM_001329943.3 (MANE Select); coding-DNA position 2418, G replaced by C.
Protein change: p.Lys806Asn; replaces lysine 806 with asparagine.
Molecular consequence: missense variant.
Genome position (GRCh38, 1-based): chr14:58,467,898, G>C. VCF-style: chr14-58467898-G-C. GRCh37 (hg19) VCF-style: chr14-58934616-G-C.
Other names: c.2577G>C, p.Lys859Asn (NM_001244189.2); c.2373G>C, p.Lys791Asn (NM_001244190.2); c.2163G>C, p.Lys721Asn (NM_001244191.2, NM_001329945.2, NM_001364700.1 and 1 more transcripts); c.2286G>C, p.Lys762Asn (NM_001244192.2); c.1998G>C, p.Lys666Asn (NM_001244193.2); c.2418G>C, p.Lys806Asn (NM_001329944.2, NM_001329946.2, NM_001329947.2); c.2190G>C, p.Lys730Asn (NM_014749.5); c.2190G>C (NM_014749.3); short protein forms K762N, K791N, K806N, K859N, K666N, K721N, K730N.
Identifiers: ClinVar variation 1362751 (VCV001362751.7), dbSNP rs922088604, ClinGen allele CA261637696.